The following is an entry in ClinVar:

NM_016239.4(MYO15A):c.8378C>A (p.Ser2793Tyr)

Gene: MYO15A (myosin XVA; plus strand). Cytogenetic location: 17p11.2.
Variant type: single nucleotide variant.
Coding change: c.8378C>A on transcript NM_016239.4 (MANE Select); coding-DNA position 8378, C replaced by A.
Protein change: p.Ser2793Tyr; replaces serine 2793 with tyrosine.
Molecular consequence: missense variant.
Genome position (GRCh38, 1-based): chr17:18,155,351, C>A. VCF-style: chr17-18155351-C-A. GRCh37 (hg19) VCF-style: chr17-18058665-C-A.
Other names: short protein forms S2793Y.
Identifiers: ClinVar variation 3601398 (VCV003601398.2).

ClinVar aggregate classification (germline): Pathogenic/Likely pathogenic. Review status: criteria provided, multiple submitters, no conflicts (2 of 4 stars). 2 submissions from 2 submitters: Pathogenic (1); Likely pathogenic (1). Last evaluated 2025-04-08.

Conditions:
Autosomal recessive nonsyndromic hearing loss 3. Also called: NEUROSENSORY NONSYNDROMIC RECESSIVE DEAFNESS 3. Identifiers: Orphanet 90636, MedGen C1838263, MONDO:0010860, OMIM 600316.

gnomAD v4.1: 1 of 1,613,794 alleles (0.000062%); no homozygotes.

Submissions (2):

Hereditary Deafness Genetic Testing Group, The First Affiliated Hospital of Zhengzhou University
Classification: Likely pathogenic for Autosomal recessive nonsyndromic hearing loss 3. Last evaluated: 2025-04-08. Review status: criteria provided, single submitter. Criteria: ACMG Guidelines, 2015. Collection method: clinical testing. Allele origin: germline. Affected: yes.

Institute of Rare Diseases, West China Hospital, Sichuan University
Classification: Pathogenic for Autosomal recessive nonsyndromic hearing loss 3. Last evaluated: 2025-01-09. Review status: criteria provided, single submitter. Criteria: ClinGen HL ACMG Specifications v1. Collection method: research. Allele origin: germline. Affected: yes.
Comment: PM3_VeryStrong;PM2_Supporting;PP3

Literature cited by the submitters: PubMed 40542191 (cited by Hereditary Deafness Genetic Testing Group, The First Affiliated Hospital of Zhengzhou University).